The following is an entry in ClinVar:

ClinVar aggregate classification (germline): Pathogenic/Likely pathogenic. Review status: criteria provided, multiple submitters, no conflicts (2 of 4 stars). 9 submissions from 9 submitters: Pathogenic (4); Likely pathogenic (4). 1 of the submissions does not count toward it. Last evaluated 2026-01-19.

Conditions:
TBCK-related disorder. Also called: TBCK-related disorders; TBCK-related condition.
Hypotonia, infantile, with psychomotor retardation and characteristic facies 3 (IHPRF3). Also called: TBCK-Related Neurodevelopmental Disorder. Identifiers: Orphanet 488632, MedGen C5567480, MONDO:0014823, OMIM 616900.

Submissions (9):

Labcorp Genetics (formerly Invitae), Labcorp
Classification: Pathogenic. Last evaluated: 2026-01-19. Review status: criteria provided, single submitter. Criteria: Invitae Variant Classification Sherloc (09022015). Collection method: clinical testing. Allele origin: germline.
Comment: This sequence change creates a premature translational stop signal (p.Pro751Hisfs*2) in the TBCK gene. It is expected to result in an absent or disrupted protein product. Loss-of-function variants in TBCK are known to be pathogenic (PMID: 27040692, 30103036). This variant is present in population databases (rs775034792, gnomAD 0.01%). This variant has not been reported in the literature in individuals affected with TBCK-related conditions. ClinVar contains an entry for this variant (Variation ID: 1305149). For these reasons, this variant has been classified as Pathogenic.

GeneDx
Classification: Pathogenic. Last evaluated: 2025-09-09. Review status: criteria provided, single submitter. Criteria: GeneDx Variant Classification Process June 2021. Collection method: clinical testing. Allele origin: germline. Affected: yes.
Comment: Frameshift variant predicted to result in protein truncation or nonsense mediated decay in a gene for which loss of function is a known mechanism of disease; Has not been previously published as pathogenic or benign to our knowledge

Dasa
Classification: Pathogenic. Last evaluated: 2025-06-03. Review status: criteria provided, single submitter. Criteria: DASA Assertion Criteria. Collection method: clinical testing. Allele origin: germline.
Comment: NM_001163435.3(TBCK):c.2252del (p.Pro751Hisfs*2) introduces a premature termination codon predicted to result in loss of normal protein function. Loss-of-function is an established mechanism of disease for this gene. This variant has been observed in affected individuals with related phenotype in a genotype context consistent with recessive disease. The variant is present at low frequency in population datasets. Based on the available data, this variant is classified as pathogenic.

Laboratory of Genetics, Children's Clinical University Hospital Latvia
Classification: Likely pathogenic. Last evaluated: 2025-02-16. Review status: criteria provided, single submitter. Criteria: ACMG Guidelines, 2015. Collection method: clinical testing. Allele origin: germline. Affected: yes.

Broad Center for Mendelian Genomics, Broad Institute of MIT and Harvard
Classification: Likely pathogenic for Hypotonia, infantile, with psychomotor retardation and characteristic facies 3. Last evaluated: 2025-01-13. Review status: criteria provided, single submitter. Criteria: ACMG Guidelines, 2015. Collection method: curation. Allele origin: germline. Inheritance: Autosomal recessive inheritance.
Comment: The p.Pro751HisfsTer2 variant in TBCK has not been previously reported in the literature in individuals with TBCK-related intellectual disability syndrome, but has been identified in 0.006% (67/1179410) of European (non-Finnish) chromosomes by the Genome Aggregation Database (gnomAD; dbSNP ID: rs775034792). Although this variant has been seen in the general population in a heterozygous state, its frequency is low enough to be consistent with a recessive carrier frequency. This variant has also been reported in ClinVar (Variation ID: 1305149) and has been interpreted as pathogenic by Invitae and CeGaT Center for Human Genetics Tuebingen, and as a variant of uncertain significance by GeneDx. This variant is predicted to cause a frameshift, which alters the protein‚Äôs amino acid sequence beginning at position 751 and leads to a premature termination codon 2 amino acids downstream. This alteration is then predicted to lead to a truncated or absent protein. Loss of function of the TBCK gene is an established disease mechanism in autosomal recessive TBCK-related intellectual disability syndrome. In summary, although additional studies are required to fully establish its clinical significance, this variant is likely pathogenic for autosomal recessive TBCK-related intellectual disability syndrome. ACMG/AMP Criteria applied: PVS1, PM2_supporting (Richards 2015).

Blueprint Genetics
Classification: Likely pathogenic for TBCK-related disorders. Last evaluated: 2024-11-12. Review status: criteria provided, single submitter. Criteria: ACMG Guidelines, 2015. Collection method: clinical testing. Allele origin: germline. Affected: yes. Observed: 5 variant alleles.

Department of Pathology and Laboratory Medicine, Sinai Health System
Classification: Likely pathogenic for Hypotonia, infantile, with psychomotor retardation and characteristic facies 3. Last evaluated: 2023-03-30. Review status: criteria provided, single submitter. Criteria: ACMG Guidelines, 2015. Collection method: research. Allele origin: germline.

CeGaT Center for Human Genetics Tuebingen
Classification: Pathogenic. Last evaluated: 2022-01-01. Review status: criteria provided, single submitter. Criteria: CeGaT Center For Human Genetics Tuebingen Variant Classification Criteria Version 2. Collection method: clinical testing. Allele origin: germline. Affected: yes. Observed: 2 variant alleles.

PreventionGenetics, part of Exact Sciences
Classification: Likely pathogenic for TBCK-related condition. Last evaluated: 2024-03-11. Review status: no assertion criteria provided. Collection method: clinical testing. Allele origin: germline. Not counted in ClinVar's aggregate classification.
Comment: The TBCK c.2252delC variant is predicted to result in a frameshift and premature protein termination (p.Pro751Hisfs*2). To our knowledge, this variant has not been reported in the literature. This variant is reported in 0.0097% of alleles in individuals of European (Non-Finnish) descent in gnomAD. Frameshift variants in TBCK are expected to be pathogenic. This variant is interpreted as likely pathogenic.

Literature cited by the submitters: PubMed 27040692 (cited by Labcorp Genetics (formerly Invitae), Labcorp); PubMed 30103036 (cited by Labcorp Genetics (formerly Invitae), Labcorp).

NM_001163435.3(TBCK):c.2252del (p.Pro751fs)

Gene: TBCK (TBC1 domain containing kinase; minus strand). Cytogenetic location: 4q24.
Variant type: Deletion.
Coding change: c.2252del on transcript NM_001163435.3 (MANE Select); coding-DNA position 2252, one base deleted (C; older notation c.2252delC).
Protein change: p.Pro751fs; shifts the reading frame from proline 751.
Molecular consequence: frameshift variant.
Genome position (GRCh38, 1-based): chr4:106,116,362, G deleted on the plus strand (C on the coding strand, the reverse complement: TBCK is on the minus strand); the first of 3 consecutive G bases (chr4:106,116,362-106,116,364); deleting any one gives the same sequence. VCF-style (leftmost placement, unchanged base first): chr4-106116361-TG-T. GRCh37 (hg19) VCF-style: chr4-107037518-TG-T.
Other names: NM_001163435.3(TBCK):c.2252del; p.Pro751fs; c.2252del, p.Pro751fs (NM_001163436.4); c.2135del, p.Pro712fs (NM_001163437.3); c.1736del, p.Pro579fs (NM_001290768.2); c.2063del, p.Pro688fs (NM_033115.5); c.2252delC (NM_001163435.2); short protein forms P579fs, P688fs, P712fs, P751fs.
Identifiers: ClinVar variation 1305149 (VCV001305149.47), dbSNP rs775034792, ClinGen allele CA3034743.